The following is an entry in ClinVar:

ClinVar aggregate classification (germline): Likely pathogenic (1 of 4 stars; one submission).

Conditions:
Combined oxidative phosphorylation defect type 8. Also called: CARDIOMYOPATHY, HYPERTROPHIC MITOCHONDRIAL, FATAL INFANTILE. Identifiers: Orphanet 319504, MedGen C4518839, MONDO:0013570, OMIM 614096.
Leukoencephalopathy, progressive, with ovarian failure (LKENP). Identifiers: Orphanet 99853, MedGen C4014588, MONDO:0014387, OMIM 615889.

gnomAD v4.1: 3 of 1,613,990 alleles (0.00019%); highest among the groups gnomAD compares: Non-Finnish European, 0.000085%; no homozygotes.

Submission:

Juno Genomics, Hangzhou Juno Genomics, Inc
Classification: Likely pathogenic for Combined oxidative phosphorylation defect type 8; Leukoencephalopathy, progressive, with ovarian failure. Review status: criteria provided, single submitter. Criteria: ACMG Guidelines, 2015. Collection method: clinical testing. Allele origin: germline.
Comment: Null variant in a gene where loss of function (LOF) is a known mechanism of disease.;Absent from controls (or at extremely low frequency if recessive) in Genome Aggregation Database.

NM_020745.4(AARS2):c.2116C>T (p.Gln706Ter)

Gene: AARS2 (alanyl-tRNA synthetase 2, mitochondrial; minus strand). Cytogenetic location: 6p21.1.
Variant type: single nucleotide variant.
Coding change: c.2116C>T on transcript NM_020745.4 (MANE Select); coding-DNA position 2116, C replaced by T.
Protein change: p.Gln706Ter; replaces glutamine 706 with a stop codon.
Molecular consequence: nonsense.
Genome position (GRCh38, 1-based): chr6:44,303,315, G>A on the plus strand (C>T on the coding strand, the complement: AARS2 is on the minus strand). VCF-style: chr6-44303315-G-A. GRCh37 (hg19) VCF-style: chr6-44271052-G-A.
Other names: short protein forms Q706*.
Identifiers: ClinVar variation 5007065 (VCV005007065.2).
Genomic context (GRCh38, chr6:44,303,315, plus strand): 5'-GATCTCCAGCAAAAGGGCTTCCCCAACTCACCTCATCCAGAGAGCGCAGGCCAGGGACCT[G>A]GGCAGTGAGCGCCAGGGGCACCTCCTCCATGTACACAGCCTCATCCTGCCCCACGGCCTC-3'